The following is an entry in ClinVar:

ClinVar aggregate classification (germline): Uncertain significance (1 of 4 stars; one submission).

Allele frequency attached by ClinVar (database versions not stated): gnomAD exomes below 0.00001.
gnomAD v4.1: 1 of 1,597,870 alleles (0.000063%); highest among the groups gnomAD compares: Non-Finnish European, 0.000085%; no homozygotes.

Submission:

Labcorp Genetics (formerly Invitae), Labcorp
Classification: Uncertain significance. Last evaluated: 2021-07-26. Review status: criteria provided, single submitter. Criteria: Invitae Variant Classification Sherloc (09022015). Collection method: clinical testing. Allele origin: germline.
Comment: In summary, the available evidence is currently insufficient to determine the role of this variant in disease. Therefore, it has been classified as a Variant of Uncertain Significance. Nucleotide substitutions within the consensus splice site are a relatively common cause of aberrant splicing (PMID: 17576681, 9536098). Algorithms developed to predict the effect of sequence changes on RNA splicing suggest that this variant is not likely to affect RNA splicing. This variant has not been reported in the literature in individuals affected with KIF2A-related conditions. This variant is not present in population databases (ExAC no frequency). This sequence change falls in intron 12 of the KIF2A gene. It does not directly change the encoded amino acid sequence of the KIF2A protein. It affects a nucleotide within the consensus splice site of the intron.

Literature cited by the submitters: PubMed 17576681; PubMed 9536098.

NM_001098511.3(KIF2A):c.1120-3T>C

Gene: KIF2A (kinesin family member 2A; plus strand). Cytogenetic location: 5q12.1.
Variant type: single nucleotide variant.
Coding change: c.1120-3T>C on transcript NM_001098511.3 (MANE Select); 3 bases into the intron before coding-DNA position 1120, T replaced by C.
Molecular consequence: intron variant.
Genome position (GRCh38, 1-based): chr5:62,363,175, T>C. VCF-style: chr5-62363175-T-C. GRCh37 (hg19) VCF-style: chr5-61659002-T-C.
Other names: c.1039-3T>C (NM_001243952.2); c.1120-3T>C (NM_004520.5); c.1063-3T>C (NM_001243953.2).
Identifiers: ClinVar variation 1369992 (VCV001369992.6), dbSNP rs2111959232, ClinGen allele CA2573139774.